The following is an entry in ClinVar:

NM_000492.4(CFTR):c.1373G>T (p.Gly458Val)

Genes: CFTR-AS1 (CFTR antisense RNA 1; minus strand), CFTR (CF transmembrane conductance regulator; plus strand). Cytogenetic location: 7q31.2.
Variant type: single nucleotide variant.
Coding change: c.1373G>T on transcript NM_000492.4 (MANE Select); coding-DNA position 1373, G replaced by T.
Protein change: p.Gly458Val; replaces glycine 458 with valine.
Molecular consequence: missense variant.
Genome position (GRCh38, 1-based): chr7:117,548,804, G>T. VCF-style: chr7-117548804-G-T. GRCh37 (hg19) VCF-style: chr7-117188858-G-T.
Other names: short protein forms G458V.
Identifiers: ClinVar variation 7132 (VCV000007132.9), dbSNP rs121909009, ClinGen allele CA325530.

ClinVar aggregate classification (germline): Likely pathogenic. Review status: criteria provided, multiple submitters, no conflicts (2 of 4 stars). 3 submissions from 3 submitters: Likely pathogenic (2). 1 of the submissions does not count toward it. Last evaluated 2026-02-02.

Conditions:
Cystic fibrosis (CF). Also called: MUCOVISCIDOSIS. Identifiers: Orphanet 586, MedGen C0010674, MONDO:0009061, OMIM 219700. Disease mechanism: loss of function.

Submissions (3):

Women's Health and Genetics/Laboratory Corporation of America, LabCorp
Classification: Likely pathogenic for Cystic fibrosis. Last evaluated: 2026-02-02. Review status: criteria provided, single submitter. Criteria: LabCorp Variant Classification Summary - May 2015. Collection method: clinical testing. Allele origin: germline.
Comment: Variant summary: CFTR c.1373G>T (p.Gly458Val) results in a non-conservative amino acid change in the encoded protein sequence. Algorithms developed to predict the effect of missense changes on protein structure and function all suggest that this variant is likely to be disruptive. The variant was absent in 243890 control chromosomes. c.1373G>T has been observed in individual(s) affected with Cystic Fibrosis (example: Lilley_2010, VanBiervliet_2007, Cuppens_1990). These data indicate that the variant may be associated with disease. To our knowledge, no experimental evidence demonstrating an impact on protein function has been reported. The following publications have been ascertained in the context of this evaluation (PMID: 2135388, 17914215, 22043142). ClinVar contains an entry for this variant (Variation ID: 7132). Based on the evidence outlined above, the variant was classified as likely pathogenic.

Labcorp Genetics (formerly Invitae), Labcorp
Classification: Likely pathogenic for Cystic fibrosis. Last evaluated: 2022-11-29. Review status: criteria provided, single submitter. Criteria: Invitae Variant Classification Sherloc (09022015). Collection method: clinical testing. Allele origin: germline.
Comment: In summary, the currently available evidence indicates that the variant is pathogenic, but additional data are needed to prove that conclusively. Therefore, this variant has been classified as Likely Pathogenic. Advanced modeling of protein sequence and biophysical properties (such as structural, functional, and spatial information, amino acid conservation, physicochemical variation, residue mobility, and thermodynamic stability) performed at Invitae indicates that this missense variant is expected to disrupt CFTR protein function. ClinVar contains an entry for this variant (Variation ID: 7132). This variant is also known as c.1505G>T. This missense change has been observed in individual(s) with cystic fibrosis (PMID: 2135388). In at least one individual the data is consistent with being in trans (on the opposite chromosome) from a pathogenic variant. This variant is not present in population databases (gnomAD no frequency). This sequence change replaces glycine, which is neutral and non-polar, with valine, which is neutral and non-polar, at codon 458 of the CFTR protein (p.Gly458Val).

OMIM
Classification: Pathogenic for CYSTIC FIBROSIS. Last evaluated: 1990-11-01. Review status: no assertion criteria provided. Collection method: literature only. Allele origin: germline. Not counted in ClinVar's aggregate classification.

Literature cited by the submitters: PubMed 22043142 (cited by Women's Health and Genetics/Laboratory Corporation of America, LabCorp); PubMed 2135388 (cited by 3 submitters); PubMed 17914215 (cited by Women's Health and Genetics/Laboratory Corporation of America, LabCorp).